The following is an entry in ClinVar:

NM_001273.5(CHD4):c.1822A>T (p.Met608Leu)

Gene: CHD4 (chromodomain helicase DNA binding protein 4; minus strand). Cytogenetic location: 12p13.31.
Variant type: single nucleotide variant.
Coding change: c.1822A>T on transcript NM_001273.5 (MANE Select); coding-DNA position 1822, A replaced by T.
Protein change: p.Met608Leu; replaces methionine 608 with leucine.
Molecular consequence: missense variant.
Genome position (GRCh38, 1-based): chr12:6,597,964, T>A on the plus strand (A>T on the coding strand, the complement: CHD4 is on the minus strand). VCF-style: chr12-6597964-T-A. GRCh37 (hg19) VCF-style: chr12-6707130-T-A.
Other names: c.1801A>T, p.Met601Leu (NM_001297553.2); c.1783A>T, p.Met595Leu (NM_001363606.2); short protein forms M595L, M601L, M608L.
Identifiers: ClinVar variation 1805504 (VCV001805504.2), dbSNP rs1020384975, ClinGen allele CA232396238.

ClinVar aggregate classification (germline): Uncertain significance (1 of 4 stars; one submission).

Conditions:
Sifrim-Hitz-Weiss syndrome (SIHIWES). Also called: CHD4 Neurodevelopmental Disorder; SIFRIM-HITZ-WEISS MULTIPLE CONGENITAL ANOMALIES-MENTAL RETARDATION SYNDROME. Identifiers: Orphanet 653712, MedGen C4310688, MONDO:0014946, OMIM 617159.

Allele frequency attached by ClinVar (database versions not stated): gnomAD 0.00001; TOPMed 0.00002.
gnomAD v4.1: 1 of 1,614,086 alleles (0.000062%); highest among the groups gnomAD compares: African/African-American, 0.0013%; no homozygotes.

Submission:

Victorian Clinical Genetics Services, Murdoch Childrens Research Institute
Classification: Uncertain significance for Sifrim-Hitz-Weiss syndrome. Last evaluated: 2019-08-28. Review status: criteria provided, single submitter. Criteria: ACMG Guidelines, 2015. Collection method: clinical testing. Allele origin: germline. Inheritance: Autosomal dominant inheritance. Affected: yes.
Comment: A heterozygous missense variant, NM_001273.4(CHD4):c.1822A>T, has been identified in exon 12 of 40 of the CHD4 gene. The variant is predicted to result in a minor amino acid change from a methionine to a leucine at position 608 of the protein, NP_001264.2(CHD4):p.(Met608Leu). The methionine residue at this position has very high conservation (100 vertebrates, UCSC), but is not located within a well established functional domain. In silico predictions of pathogenicity for this variant are conflicting (Polyphen, SIFT, CADD, Mutation Taster). The variant is absent in population databases (gnomAD, dbSNP, 1000G) and has not been previously reported in clinical cases. Based on the information available at the time of curation, this variant has been classified as VARIANT of UNCERTAIN SIGNIFICANCE (VUS).